The following is an entry in ClinVar:

ClinVar aggregate classification (germline): Likely benign (0 of 4 stars; one submission).

Conditions:
CTTNBP2-related disorder. Also called: CTTNBP2-related condition.

Allele frequency attached by ClinVar (database versions not stated): ExAC 0.00030; 1000 Genomes Project 0.00060; 1000 Genomes Project 30x 0.00062.
gnomAD v4.1: 240 of 1,614,178 alleles (0.015%); highest among the groups gnomAD compares: South Asian, 0.19%; 2 homozygotes.

Submission:

PreventionGenetics, part of Exact Sciences
Classification: Likely benign for CTTNBP2-related condition. Last evaluated: 2022-12-28. Review status: no assertion criteria provided. Collection method: clinical testing. Allele origin: germline.
Comment: This variant is classified as likely benign based on ACMG/AMP sequence variant interpretation guidelines (Richards et al. 2015 PMID: 25741868, with internal and published modifications).

NM_033427.3(CTTNBP2):c.866G>A (p.Arg289His)

Gene: CTTNBP2 (cortactin binding protein 2; minus strand). Cytogenetic location: 7q31.31.
Variant type: single nucleotide variant.
Coding change: c.866G>A on transcript NM_033427.3 (MANE Select); coding-DNA position 866, G replaced by A.
Protein change: p.Arg289His; replaces arginine 289 with histidine.
Molecular consequence: missense variant. On other transcripts: 5 prime UTR variant (2).
Genome position (GRCh38, 1-based): chr7:117,792,330, C>T on the plus strand (G>A on the coding strand, the complement: CTTNBP2 is on the minus strand). VCF-style: chr7-117792330-C-T. GRCh37 (hg19) VCF-style: chr7-117432384-C-T.
Other names: c.812G>A, p.Arg271His (NM_001363349.1); c.-1069G>A (NM_001363350.1, NM_001363351.1); short protein forms R271H, R289H.
Identifiers: ClinVar variation 3054016 (VCV003054016.2), dbSNP rs541089121, ClinGen allele CA4452807.